The following is an entry in ClinVar:

ClinVar aggregate classification (germline): Uncertain significance. Review status: criteria provided, multiple submitters, no conflicts (2 of 4 stars). 2 submissions from 2 submitters: Uncertain significance (2). Last evaluated 2024-04-15.

Conditions:
Hereditary cancer-predisposing syndrome. Also called: Tumor predisposition; Hereditary neoplastic syndrome; Hereditary Cancer Syndrome; Neoplastic Syndromes, Hereditary. Identifiers: Orphanet 140162, MedGen C0027672, MeSH D009386, MONDO:0015356.
Rhabdoid tumor predisposition syndrome 2 (RTPS2). Identifiers: Orphanet 231108, Orphanet 69077, MedGen C2750074, MONDO:0013224, OMIM 613325.

Allele frequency attached by ClinVar (database versions not stated): gnomAD exomes 0.00001.
gnomAD v4.1: 3 of 1,556,944 alleles (0.00019%); highest among the groups gnomAD compares: Non-Finnish European, 0.00026%; no homozygotes.

Submissions (2):

Labcorp Genetics (formerly Invitae), Labcorp
Classification: Uncertain significance for Rhabdoid tumor predisposition syndrome 2. Last evaluated: 2024-04-15. Review status: criteria provided, single submitter. Criteria: Invitae Variant Classification Sherloc (09022015). Collection method: clinical testing. Allele origin: germline.
Comment: This sequence change replaces methionine, which is neutral and non-polar, with leucine, which is neutral and non-polar, at codon 210 of the SMARCA4 protein (p.Met210Leu). This variant is not present in population databases (gnomAD no frequency). This variant has not been reported in the literature in individuals affected with SMARCA4-related conditions. ClinVar contains an entry for this variant (Variation ID: 936955). Advanced modeling of protein sequence and biophysical properties (such as structural, functional, and spatial information, amino acid conservation, physicochemical variation, residue mobility, and thermodynamic stability) performed at Invitae indicates that this missense variant is not expected to disrupt SMARCA4 protein function with a negative predictive value of 95%. In summary, the available evidence is currently insufficient to determine the role of this variant in disease. Therefore, it has been classified as a Variant of Uncertain Significance.

Ambry Genetics
Classification: Uncertain significance for Hereditary cancer-predisposing syndrome. Last evaluated: 2020-08-14. Review status: criteria provided, single submitter. Criteria: Ambry Variant Classification Scheme 2023. Collection method: clinical testing. Allele origin: germline.
Comment: The p.M210L variant (also known as c.628A>C), located in coding exon 3 of the SMARCA4 gene, results from an A to C substitution at nucleotide position 628. The methionine at codon 210 is replaced by leucine, an amino acid with highly similar properties. This amino acid position is not well conserved in available vertebrate species. In addition, the in silico prediction for this alteration is inconclusive. Since supporting evidence is limited at this time, the clinical significance of this alteration remains unclear.

NM_003072.5(SMARCA4):c.628A>C (p.Met210Leu)

Gene: SMARCA4 (SWI/SNF related BAF chromatin remodeling complex subunit ATPase 4; plus strand). Cytogenetic location: 19p13.2.
Variant type: single nucleotide variant.
Coding change: c.628A>C on transcript NM_003072.5 (MANE Select); coding-DNA position 628, A replaced by C.
Protein change: p.Met210Leu; replaces methionine 210 with leucine.
Molecular consequence: missense variant. On other transcripts: non-coding transcript variant (1).
Genome position (GRCh38, 1-based): chr19:10,986,461, A>C. VCF-style: chr19-10986461-A-C. GRCh37 (hg19) VCF-style: chr19-11097137-A-C.
Other names: c.628A>C, p.Met210Leu (NM_001128844.3, NM_001128845.2, NM_001128846.2 and 4 more transcripts); short protein forms M210L.
Identifiers: ClinVar variation 936955 (VCV000936955.11), dbSNP rs2086042007, ClinGen allele CA404056654.